The following is an entry in ClinVar:

ClinVar aggregate classification (germline): Benign (0 of 4 stars; one submission).

Conditions:
XIRP2-related disorder. Also called: XIRP2-related condition.

Allele frequency attached by ClinVar (database versions not stated): TOPMed 0.00007; gnomAD 0.00040; gnomAD exomes 0.00067; ExAC 0.00159; 1000 Genomes Project 30x 0.00328; 1000 Genomes Project 0.00399.
gnomAD v4.1: 1,049 of 1,613,636 alleles (0.065%); highest among the groups gnomAD compares: South Asian, 1.1%; 16 homozygotes.

Submission:

PreventionGenetics, part of Exact Sciences
Classification: Benign for XIRP2-related condition. Last evaluated: 2020-03-09. Review status: no assertion criteria provided. Collection method: clinical testing. Allele origin: germline.
Comment: This variant is classified as benign based on ACMG/AMP sequence variant interpretation guidelines (Richards et al. 2015 PMID: 25741868, with internal and published modifications).

NM_152381.6(XIRP2):c.4363C>T (p.Leu1455=)

Gene: XIRP2 (xin actin binding repeat containing 2; plus strand). Cytogenetic location: 2q24.3.
Variant type: single nucleotide variant.
Coding change: c.4363C>T on transcript NM_152381.6 (MANE Select); coding-DNA position 4363, C replaced by T.
Protein change: p.Leu1455=; no amino-acid change (leucine 1455 retained).
Molecular consequence: synonymous variant. On other transcripts: intron variant (3).
Genome position (GRCh38, 1-based): chr2:167,245,755, C>T. VCF-style: chr2-167245755-C-T. GRCh37 (hg19) VCF-style: chr2-168102265-C-T.
Other names: c.3697C>T, p.Leu1233= (NM_001199144.2); c.1275+3845C>T (NM_001199143.2); c.1176+3845C>T (NM_001079810.4); c.510+3845C>T (NM_001199145.2).
Identifiers: ClinVar variation 3048657 (VCV003048657.2), dbSNP rs202071210, ClinGen allele CA1947030.
Genomic context (GRCh38, chr2:167,245,755, plus strand): 5'-TATATACGAACAGTAAGTGTCAATGAAATACAAAAGGGCAATGTTAAAACATCTACTTGG[C>T]TATTTGAAACCCACACTATGGATGAACTGAGAGGAGAAGGGTTAGAATATGAAAATATCA-3'
Protein context (NP_689594.4, residues 1445-1465): QKGNVKTSTW[Leu1455=]FETHTMDELR